The following is an entry in ClinVar:

ClinVar aggregate classification (germline): Likely benign (1 of 4 stars; one submission).

gnomAD v4.1: 2,122 of 1,536,118 alleles (0.14%); highest among the groups gnomAD compares: Admixed American, 0.28%; 2 homozygotes.

Submission:

CeGaT Center for Human Genetics Tuebingen
Classification: Likely benign. Last evaluated: 2026-09-01. Review status: criteria provided, single submitter. Criteria: CeGaT Center For Human Genetics Tuebingen Variant Classification Criteria Version 2. Collection method: clinical testing. Allele origin: germline. Affected: yes. Observed: 2 variant alleles.
Comment: MLIP: BP4

NM_001281747.2(MLIP):c.2099C>G (p.Pro700Arg)

Gene: MLIP (muscular LMNA interacting protein; plus strand). Cytogenetic location: 6p12.1.
Variant type: single nucleotide variant.
Coding change: c.2099C>G on transcript NM_001281747.2 (MANE Select); coding-DNA position 2099, C replaced by G.
Protein change: p.Pro700Arg; replaces proline 700 with arginine.
Molecular consequence: missense variant. On other transcripts: intron variant (1).
Genome position (GRCh38, 1-based): chr6:54,138,168, C>G. VCF-style: chr6-54138168-C-G. GRCh37 (hg19) VCF-style: chr6-54002966-C-G.
Other names: c.2066C>G, p.Pro689Arg (NM_001281746.2); c.613-10888C>G (NM_138569.3); short protein forms P689R, P700R.
Identifiers: ClinVar variation 3777840 (VCV003777840.7).